The following is an entry in ClinVar:

NM_001330574.2(ZNF711):c.1574A>C (p.Lys525Thr)

Gene: ZNF711 (zinc finger protein 711; plus strand). Cytogenetic location: Xq21.1.
Variant type: single nucleotide variant.
Coding change: c.1574A>C on transcript NM_001330574.2 (MANE Select); coding-DNA position 1574, A replaced by C.
Protein change: p.Lys525Thr; replaces lysine 525 with threonine.
Molecular consequence: missense variant.
Genome position (GRCh38, 1-based): chrX:85,270,978, A>C. VCF-style: chrX-85270978-A-C. GRCh37 (hg19) VCF-style: chrX-84525984-A-C.
Other names: c.1574A>C, p.Lys525Thr (NM_001375431.1, NM_001375432.1, NM_001375433.1); c.1436A>C, p.Lys479Thr (NM_001375434.1, NM_001375435.1, NM_001375436.1 and 2 more transcripts); short protein forms K479T, K525T.
Identifiers: ClinVar variation 3033070 (VCV003033070.2), dbSNP rs2520398673, ClinGen allele CA413773676.
Genomic context (GRCh38, chrX:85,270,978, plus strand): 5'-GTCCACTGAGTTCCAATAAACTTATTTTAAGAGACAAGGAGCCGAAGATGCACAAGTGCA[A>C]ATACTGTGACTATGAAACTGCAGAACAAGGACTGTTAAACAGGCATTTGTTGGCCGTTCA-3'
Protein context (NP_001317503.1, residues 515-535): RDKEPKMHKC[Lys525Thr]YCDYETAEQG

ClinVar aggregate classification (germline): Uncertain significance (0 of 4 stars; one submission).

Conditions:
ZNF711-related disorder. Also called: ZNF711-related condition.

Submission:

PreventionGenetics, part of Exact Sciences
Classification: Uncertain significance for ZNF711-related condition. Last evaluated: 2023-10-24. Review status: no assertion criteria provided. Collection method: clinical testing. Allele origin: germline.
Comment: The ZNF711 c.1436A>C variant is predicted to result in the amino acid substitution p.Lys479Thr. To our knowledge, this variant has not been reported in the literature or in a large population database, indicating this variant is rare. At this time, the clinical significance of this variant is uncertain due to the absence of conclusive functional and genetic evidence.